The following is an entry in ClinVar:

ClinVar aggregate classification (germline): Uncertain significance. Review status: criteria provided, multiple submitters, no conflicts (2 of 4 stars). 5 submissions from 5 submitters: Uncertain significance (5). Last evaluated 2025-06-10.

Conditions:
Inborn genetic diseases. Identifiers: MedGen C0950123, MeSH D030342.
3-hydroxy-3-methylglutaryl-CoA synthase deficiency (HMGCS2D). Also called: MITOCHONDRIAL HMG-CoA SYNTHASE DEFICIENCY; HMG-CoA synthase-2 deficiency; HMGCS2 DEFICIENCY. Identifiers: Orphanet 35701, MedGen C2751532, MONDO:0011614, OMIM 605911.

Allele frequency attached by ClinVar (database versions not stated): ExAC 0.00002; gnomAD 0.00002 and 0.00003; gnomAD exomes 0.00002; TOPMed 0.00005.
gnomAD v4.1: 40 of 1,613,000 alleles (0.0025%); highest among the groups gnomAD compares: Middle Eastern, 0.016%; no homozygotes.

Submissions (5):

Ambry Genetics
Classification: Uncertain significance for Inborn genetic diseases. Last evaluated: 2025-06-10. Review status: criteria provided, single submitter. Criteria: Ambry Variant Classification Scheme 2023. Collection method: clinical testing. Allele origin: germline.

Labcorp Genetics (formerly Invitae), Labcorp
Classification: Uncertain significance for 3-hydroxy-3-methylglutaryl-CoA synthase deficiency. Last evaluated: 2024-12-30. Review status: criteria provided, single submitter. Criteria: Invitae Variant Classification Sherloc (09022015). Collection method: clinical testing. Allele origin: germline.
Comment: This sequence change replaces arginine, which is basic and polar, with tryptophan, which is neutral and slightly polar, at codon 505 of the HMGCS2 protein (p.Arg505Trp). This variant is present in population databases (rs780044819, gnomAD 0.006%). This variant has not been reported in the literature in individuals affected with HMGCS2-related conditions. ClinVar contains an entry for this variant (Variation ID: 292328). An algorithm developed to predict the effect of missense changes on protein structure and function (PolyPhen-2) suggests that this variant is likely to be disruptive. In summary, the available evidence is currently insufficient to determine the role of this variant in disease. Therefore, it has been classified as a Variant of Uncertain Significance.

Genomic Medicine Center of Excellence, King Faisal Specialist Hospital and Research Centre
Classification: Uncertain significance for 3-hydroxy-3-methylglutaryl-CoA synthase deficiency. Last evaluated: 2024-03-26. Review status: criteria provided, single submitter. Criteria: ACMG Guidelines, 2015. Collection method: clinical testing. Allele origin: germline.

Illumina Laboratory Services, Illumina
Classification: Uncertain significance for 3-hydroxy-3-methylglutaryl-CoA synthase deficiency. Last evaluated: 2018-01-12. Review status: criteria provided, single submitter. Criteria: ICSL Variant Classification Criteria 13 December 2019. Collection method: clinical testing. Allele origin: germline.

Breakthrough Genomics
Classification: Uncertain significance. Review status: criteria provided, single submitter. Criteria: ACMG Guidelines, 2015. Collection method: not provided. Allele origin: germline. Inheritance: Autosomal recessive inheritance. Affected: yes.

NM_005518.4(HMGCS2):c.1513C>T (p.Arg505Trp)

Gene: HMGCS2 (3-hydroxy-3-methylglutaryl-CoA synthase 2; minus strand). Cytogenetic location: 1p12.
Variant type: single nucleotide variant.
Coding change: c.1513C>T on transcript NM_005518.4 (MANE Select); coding-DNA position 1513, C replaced by T.
Protein change: p.Arg505Trp; replaces arginine 505 with tryptophan.
Molecular consequence: missense variant.
Genome position (GRCh38, 1-based): chr1:119,750,816, G>A on the plus strand (C>T on the coding strand, the complement: HMGCS2 is on the minus strand). VCF-style: chr1-119750816-G-A. GRCh37 (hg19) VCF-style: chr1-120293439-G-A.
Other names: c.1387C>T, p.Arg463Trp (NM_001166107.1); short protein forms R463W, R505W.
Identifiers: ClinVar variation 292328 (VCV000292328.17), dbSNP rs780044819, ClinGen allele CA1037518.